The following is an entry in ClinVar:

ClinVar aggregate classification (germline): Uncertain significance (1 of 4 stars; one submission).

Submission:

Dasa
Classification: Uncertain significance. Last evaluated: 2024-10-08. Review status: criteria provided, single submitter. Criteria: DASA Assertion Criteria. Collection method: clinical testing. Allele origin: germline.
Comment: NM_001003694.2(BRPF1):c.709G>T (p.Val237Leu) is a missense variant that results in the substitution of valine with leucine. This variant is absent from population databases. Computational prediction algorithms are consistent with a benign effect. The currently available literature and clinical evidence are not sufficient to establish a definitive association between this variant and the reported condition. Therefore, this variant is classified as a variant of uncertain significance.

NM_001003694.2(BRPF1):c.709G>T (p.Val237Leu)

Gene: BRPF1 (bromodomain and PHD finger containing 1; plus strand). Cytogenetic location: 3p25.3.
Variant type: single nucleotide variant.
Coding change: c.709G>T on transcript NM_001003694.2 (MANE Select); coding-DNA position 709, G replaced by T.
Protein change: p.Val237Leu; replaces valine 237 with leucine.
Molecular consequence: missense variant. On other transcripts: non-coding transcript variant (1).
Genome position (GRCh38, 1-based): chr3:9,739,108, G>T. VCF-style: chr3-9739108-G-T. GRCh37 (hg19) VCF-style: chr3-9780792-G-T.
Other names: c.709G>T, p.Val237Leu (NM_001438343.1, NM_001438344.1, NM_001438345.1 and 7 more transcripts); short protein forms V237L.
Identifiers: ClinVar variation 4885455 (VCV004885455.2).